The following is an entry in ClinVar:

ClinVar aggregate classification (germline): Uncertain significance (1 of 4 stars; one submission).

Conditions:
Autosomal dominant Parkinson disease 8. Also called: LRRK2-Related Parkinson Disease; Parkinson disease 8; Parkinson disease 8, susceptibility to. Identifiers: Orphanet 411602, MedGen C1846862, MONDO:0011764, OMIM 607060.

Submission:

Labcorp Genetics (formerly Invitae), Labcorp
Classification: Uncertain significance for Autosomal dominant Parkinson disease 8. Last evaluated: 2021-07-20. Review status: criteria provided, single submitter. Criteria: Invitae Variant Classification Sherloc (09022015). Collection method: clinical testing. Allele origin: germline.
Comment: In summary, the available evidence is currently insufficient to determine the role of this variant in disease. Therefore, it has been classified as a Variant of Uncertain Significance. Algorithms developed to predict the effect of missense changes on protein structure and function (SIFT, PolyPhen-2, Align-GVGD) all suggest that this variant is likely to be tolerated. This variant has not been reported in the literature in individuals affected with LRRK2-related conditions. This variant is not present in population databases (ExAC no frequency). This sequence change replaces glutamine with histidine at codon 177 of the LRRK2 protein (p.Gln177His). The glutamine residue is weakly conserved and there is a small physicochemical difference between glutamine and histidine.

NM_198578.4(LRRK2):c.531G>C (p.Gln177His)

Gene: LRRK2 (leucine rich repeat kinase 2; plus strand). Cytogenetic location: 12q12.
Variant type: single nucleotide variant.
Coding change: c.531G>C on transcript NM_198578.4 (MANE Select); coding-DNA position 531, G replaced by C.
Protein change: p.Gln177His; replaces glutamine 177 with histidine.
Molecular consequence: missense variant.
Genome position (GRCh38, 1-based): chr12:40,238,063, G>C. VCF-style: chr12-40238063-G-C. GRCh37 (hg19) VCF-style: chr12-40631865-G-C.
Other names: short protein forms Q177H.
Identifiers: ClinVar variation 1417269 (VCV001417269.8), dbSNP rs2136421998, ClinGen allele CA384404151.